The following is an entry in ClinVar:

ClinVar aggregate classification (germline): Pathogenic (1 of 4 stars; one submission).

Conditions:
Primary ciliary dyskinesia 3. Identifiers: Orphanet 244, MedGen C1837618, MONDO:0012085, OMIM 608644.

Submission:

Myriad Genetics, Inc.
Classification: Pathogenic for Primary ciliary dyskinesia 3. Last evaluated: 2023-09-27. Review status: criteria provided, single submitter. Criteria: Myriad Autosomal Dominant, Autosomal Recessive and X-Linked Classification Criteria (2023). Collection method: clinical testing. Allele origin: unknown.
Comment: NM_001369.2(DNAH5):c.625dupG(V209Gfs*19) is expected to be pathogenic in the context of primary ciliary dyskinesia, DNAH5-related. This variant is predicted to lead to an abnormal or absent protein product due to the creation of a premature termination codon in DNAH5, a gene where loss-of-function variants are known to be pathogenic. Please note: this variant was assessed in the context of healthy population screening.

NM_001369.3(DNAH5):c.625dup (p.Val209fs)

Gene: DNAH5 (dynein axonemal heavy chain 5; minus strand). Cytogenetic location: 5p15.2.
Variant type: Duplication.
Coding change: c.625dup on transcript NM_001369.3 (MANE Select); coding-DNA position 625, one base duplicated (G; older notation c.625dupG).
Protein change: p.Val209fs; shifts the reading frame from valine 209.
Molecular consequence: frameshift variant.
Genome position (GRCh38, 1-based): chr5:13,922,142, C duplicated on the plus strand (G on the coding strand, the reverse complement: DNAH5 is on the minus strand). VCF-style (leftmost placement, unchanged base first): chr5-13922141-A-AC. GRCh37 (hg19) VCF-style: chr5-13922250-A-AC.
Other names: short protein forms V209fs.
Identifiers: ClinVar variation 5011890 (VCV005011890.1).
Genomic context (GRCh38, chr5:13,922,141, plus strand): 5'-TAAAGGAACAGCTTATTCGTCCTCACCTTCTCCTTCAGACTCTCCTGTGCACCCGACAGG[A>AC]CGTTCACAAAGCCTTCCAGGGAGCTCAAGAACTCCTGGCGAATGTTAGCTGCGTCCTGAA-3'